The following is an entry in ClinVar:

ClinVar aggregate classification (germline): Likely pathogenic. Review status: criteria provided, single submitter (1 of 4 stars). 2 submissions from 2 submitters: Likely pathogenic (1). 1 of the submissions does not count toward it. Last evaluated 2024-05-02.

Conditions:
Glucose-6-phosphate transport defect (GSD1B). Also called: Glycogen Storage Disease Type Ib; GSD Ib. Identifiers: Orphanet 364, Orphanet 79259, MedGen C0268146, MONDO:0009288, OMIM 232220.

Allele frequency attached by ClinVar (database versions not stated): gnomAD exomes below 0.00001; TOPMed below 0.00001.

Submissions (2):

Natera, Inc.
Classification: Likely pathogenic for Glycogen storage disease type Ib. Last evaluated: 2024-05-02. Review status: criteria provided, single submitter. Criteria: Natera Variant Classification Schema (03/2026). Collection method: clinical testing. Allele origin: germline.
Comment: The c.1043T>C variant in SLC37A4 is a missense variant predicted to cause substitution of leucine to proline at amino acid 348. This variant is rare in the general population with a frequency below the threshold expected for the associated phenotype(s). This variant has been observed in one or more individuals affected with the associated recessive disease, as either homozygous or compound heterozygous with a second variant (PMID: 34485189, 22899091). Computational prediction algorithms indicate this variant is likely to affect gene or protein function. Given the available evidence, this variant is classified as Likely Pathogenic.

Counsyl
Classification: Uncertain significance for Glucose-6-phosphate transport defect. Last evaluated: 2017-03-30. Review status: no assertion criteria provided. Collection method: clinical testing. Allele origin: unknown. Not counted in ClinVar's aggregate classification.

Literature cited by the submitters: PubMed 34485189 (cited by Natera, Inc.); PubMed 22899091 (cited by Natera, Inc. and Counsyl).

NM_001164277.2(SLC37A4):c.1043T>C (p.Leu348Pro)

Gene: SLC37A4 (solute carrier family 37 member 4; minus strand). Cytogenetic location: 11q23.3.
Variant type: single nucleotide variant.
Coding change: c.1043T>C on transcript NM_001164277.2 (MANE Select); coding-DNA position 1043, T replaced by C.
Protein change: p.Leu348Pro; replaces leucine 348 with proline.
Molecular consequence: missense variant.
Genome position (GRCh38, 1-based): chr11:119,025,271, A>G on the plus strand (T>C on the coding strand, the complement: SLC37A4 is on the minus strand). VCF-style: chr11-119025271-A-G. GRCh37 (hg19) VCF-style: chr11-118895981-A-G.
Other names: c.1109T>C, p.Leu370Pro (NM_001164278.2); c.824T>C, p.Leu275Pro (NM_001164279.2); c.1043T>C, p.Leu348Pro (NM_001164280.2, NM_001467.6); short protein forms L348P, L275P, L370P.
Identifiers: ClinVar variation 551314 (VCV000551314.3), dbSNP rs1210588522, ClinGen allele CA382895937.